The following is an entry in ClinVar:

GRCh38/hg38 7p21.1(chr7:17034713-17544671)x3

Genes: AHR (aryl hydrocarbon receptor; plus strand), LINC02888 (long intergenic non-protein coding RNA 2888; plus strand), LINC02889 (long intergenic non-protein coding RNA 2889; minus strand), LOC126859950 (P300/CBP strongly-dependent group 1 enhancer GRCh37_chr7:17273731-17274930; plus strand), LOC126859951 (MED14-independent group 3 enhancer GRCh37_chr7:17411084-17412283; plus strand) and 8 more. Cytogenetic location: 7p21.1.
Variant type: copy number gain.
Change: copy number 3 (three copies instead of two) of chr7:17,034,713-17,544,671 (510.0 kb, GRCh38 coordinates, 1-based), cytogenetic band 7p21.1.
Identifiers: ClinVar variation 59569 (VCV000059569.1).

ClinVar aggregate classification (germline): Uncertain significance (1 of 4 stars; one submission).

Submission:

ISCA site 14
Classification: Uncertain significance. Last evaluated: 2011-08-12. Review status: criteria provided, single submitter. Criteria: Kaminsky et al. (Genet Med. 2011). Collection method: clinical testing. Allele origin: unknown. Affected: yes. Observed: 1 variant allele.
Comment: Copy number variation identified through the course of routine clinical cytogenomic testing in postnatal populations. Clinical assertions have been curated as described in Kaminsky et al. 2011.